The following is an entry in ClinVar:

NM_002528.7(NTHL1):c.724A>G (p.Arg242Gly)

Gene: NTHL1 (nth like DNA glycosylase 1; minus strand). Cytogenetic location: 16p13.3.
Variant type: single nucleotide variant.
Coding change: c.724A>G on transcript NM_002528.7 (MANE Select); coding-DNA position 724, A replaced by G.
Protein change: p.Arg242Gly; replaces arginine 242 with glycine.
Molecular consequence: missense variant.
Genome position (GRCh38, 1-based): chr16:2,040,200, T>C on the plus strand (A>G on the coding strand, the complement: NTHL1 is on the minus strand). VCF-style: chr16-2040200-T-C. GRCh37 (hg19) VCF-style: chr16-2090201-T-C.
Other names: c.553A>G, p.Arg185Gly (NM_001318193.2); c.394A>G, p.Arg132Gly (NM_001318194.2); short protein forms R185G, R132G, R242G.
Identifiers: ClinVar variation 835665 (VCV000835665.10), dbSNP rs2084243378, ClinGen allele CA394289169.

ClinVar aggregate classification (germline): Uncertain significance. Review status: criteria provided, multiple submitters, no conflicts (2 of 4 stars). 2 submissions from 2 submitters: Uncertain significance (2). Last evaluated 2024-11-07.

Conditions:
Hereditary cancer-predisposing syndrome. Also called: Hereditary neoplastic syndrome; Neoplastic Syndromes, Hereditary; Tumor predisposition; Hereditary Cancer Syndrome. Identifiers: Orphanet 140162, MedGen C0027672, MeSH D009386, MONDO:0015356.

Allele frequency attached by ClinVar (database versions not stated): gnomAD exomes 0.00001.
gnomAD v4.1: 11 of 1,613,928 alleles (0.00068%); highest among the groups gnomAD compares: Non-Finnish European, 0.00093%; no homozygotes.

Submissions (2):

Ambry Genetics
Classification: Uncertain significance for Hereditary cancer-predisposing syndrome. Last evaluated: 2024-11-07. Review status: criteria provided, single submitter. Criteria: Ambry Variant Classification Scheme 2023. Collection method: clinical testing. Allele origin: germline.
Comment: The p.R250G variant (also known as c.748A>G), located in coding exon 5 of the NTHL1 gene, results from an A to G substitution at nucleotide position 748. The arginine at codon 250 is replaced by glycine, an amino acid with dissimilar properties. This alteration was identified in 1/1358 non-cancer control individuals and in 0/57 cases, in a study looking at cancer predisposition mutations in patients with cutaneous melanoma and a history of at least two additional non-cutaneous melanoma primary cancers (Pritchard AL et al. PLoS One, 2018 Apr;13:e0194098). This amino acid position is not well conserved in available vertebrate species, and glycine is the reference amino acid in other vertebrate species. In addition, this alteration is predicted to be tolerated by in silico analysis. Since supporting evidence is limited at this time, the clinical significance of this alteration remains unclear.

Labcorp Genetics (formerly Invitae), Labcorp
Classification: Uncertain significance. Last evaluated: 2024-07-30. Review status: criteria provided, single submitter. Criteria: Invitae Variant Classification Sherloc (09022015). Collection method: clinical testing. Allele origin: germline.
Comment: This sequence change replaces arginine, which is basic and polar, with glycine, which is neutral and non-polar, at codon 250 of the NTHL1 protein (p.Arg250Gly). This variant is not present in population databases (gnomAD no frequency). This missense change has been observed in individual(s) with breast cancer (PMID: 33980861). ClinVar contains an entry for this variant (Variation ID: 835665). An algorithm developed to predict the effect of missense changes on protein structure and function outputs the following: PolyPhen-2: "Benign". The glycine amino acid residue is found in multiple mammalian species, which suggests that this missense change does not adversely affect protein function. In summary, the available evidence is currently insufficient to determine the role of this variant in disease. Therefore, it has been classified as a Variant of Uncertain Significance.

Literature cited by the submitters: PubMed 29641532 (cited by Ambry Genetics); PubMed 33980861 (cited by Labcorp Genetics (formerly Invitae), Labcorp).